The following is an entry in ClinVar:

NM_021620.4(PRDM13):c.1659G>A (p.Ala553=)

Gene: PRDM13 (PR/SET domain 13; plus strand). Cytogenetic location: 6q16.2.
Variant type: single nucleotide variant.
Coding change: c.1659G>A on transcript NM_021620.4 (MANE Select); coding-DNA position 1659, G replaced by A.
Protein change: p.Ala553=; no amino-acid change (alanine 553 retained).
Molecular consequence: synonymous variant.
Genome position (GRCh38, 1-based): chr6:99,614,294, G>A. VCF-style: chr6-99614294-G-A. GRCh37 (hg19) VCF-style: chr6-100062170-G-A.
Other names: c.1659G>A (NM_021620.3).
Identifiers: ClinVar variation 1051003 (VCV001051003.11), dbSNP rs368000718, ClinGen allele CA143976096.

ClinVar aggregate classification (germline): Likely benign. Review status: criteria provided, multiple submitters, no conflicts (2 of 4 stars). 2 submissions from 2 submitters: Likely benign (2). Last evaluated 2025-12-12.

Conditions:
PRDM13-related disorder. Also called: PRDM13-related condition.

Allele frequency attached by ClinVar (database versions not stated): gnomAD exomes below 0.00001; gnomAD 0.00003 and 0.00004; ESP Exome Variant Server 0.00008.
gnomAD v4.1: 8 of 1,604,954 alleles (0.0005%); highest among the groups gnomAD compares: African/African-American, 0.0094%; no homozygotes.

Submissions (2):

PreventionGenetics, part of Exact Sciences
Classification: Likely benign for PRDM13-related condition. Last evaluated: 2025-12-12. Review status: criteria provided, single submitter. Criteria: ACMG Guidelines, 2015. Collection method: clinical testing. Allele origin: germline.
Comment: This variant is classified as likely benign based on ACMG/AMP sequence variant interpretation guidelines (Richards et al. 2015 PMID: 25741868, with internal and published modifications).

Labcorp Genetics (formerly Invitae), Labcorp
Classification: Likely benign. Last evaluated: 2023-08-25. Review status: criteria provided, single submitter. Criteria: Invitae Variant Classification Sherloc (09022015). Collection method: clinical testing. Allele origin: germline.